The following is an entry in ClinVar:

NM_021831.6(AGBL5):c.1951AGC[3] (p.Ser654del)

Gene: AGBL5 (AGBL carboxypeptidase 5; plus strand). Cytogenetic location: 2p23.3.
Variant type: Microsatellite.
Coding change: c.1951AGC[3] on transcript NM_021831.6 (MANE Select); three copies in a row of the 3-base unit AGC starting at c.1951; the reference has four copies in a row; one copy, 3 bases deleted.
Protein change: p.Ser654del; deletes serine 654.
Molecular consequence: inframe deletion. On other transcripts: non-coding transcript variant (2).
Genome position (GRCh38, 1-based): chr2:27,059,275-27,059,277, AGC deleted; deleting any 3 consecutive bases within chr2:27,059,266-27,059,277 gives the same sequence; the position shown is the placement nearest the transcript's 3' end. VCF-style (leftmost placement, unchanged base first): chr2-27059265-TAGC-T. GRCh37 (hg19) VCF-style: chr2-27282133-TAGC-T.
Other names: c.1951AGC[3], p.Ser654del (NM_001035507.3); c.1960_1962delAGC (NM_021831.6); short protein forms S654del.
Identifiers: ClinVar variation 1388615 (VCV001388615.8), dbSNP rs762963806, ClinGen allele CA1568026.
Genomic context (GRCh38, chr2:27,059,265, plus strand): 5'-CTGCTCCGAAAACACCTTGAGTCGGGCACGAAGTTTTAGCACCGGCACAAGTGCCGGTGG[TAGC>T]AGCAGCAGCCAACAAAATTCTCCACAGATGAAGAATTCCCCCAGCTTTCCTTTTCATGGC-3'

ClinVar aggregate classification (germline): Uncertain significance. Review status: criteria provided, multiple submitters, no conflicts (2 of 4 stars). 2 submissions from 2 submitters: Uncertain significance (2). Last evaluated 2023-10-01.

Conditions:
Retinal dystrophy. Also called: Inherited retinal dystrophy. Identifiers: Orphanet 71862, MedGen C0854723, MeSH D058499, MONDO:0019118, HP:0000556.

Submissions (2):

Dept Of Ophthalmology, Nagoya University
Classification: Uncertain significance for Retinal dystrophy. Last evaluated: 2023-10-01. Review status: criteria provided, single submitter. Criteria: Submitter's publication. Collection method: research. Allele origin: germline. Affected: yes.

Labcorp Genetics (formerly Invitae), Labcorp
Classification: Uncertain significance. Last evaluated: 2022-03-04. Review status: criteria provided, single submitter. Criteria: Invitae Variant Classification Sherloc (09022015). Collection method: clinical testing. Allele origin: germline.
Comment: This variant is present in population databases (rs762963806, gnomAD 0.03%). This variant has not been reported in the literature in individuals affected with AGBL5-related conditions. Experimental studies and prediction algorithms are not available or were not evaluated, and the functional significance of this variant is currently unknown. In summary, the available evidence is currently insufficient to determine the role of this variant in disease. Therefore, it has been classified as a Variant of Uncertain Significance. This variant, c.1960_1962del, results in the deletion of 1 amino acid(s) of the AGBL5 protein (p.Ser654del), but otherwise preserves the integrity of the reading frame.